The following is an entry in ClinVar:

ClinVar aggregate classification (germline): Uncertain significance (1 of 4 stars; one submission).

Allele frequency attached by ClinVar (database versions not stated): TOPMed below 0.00001; gnomAD 0.00001.
gnomAD v4.1: 1 of 1,613,910 alleles (0.000062%); highest among the groups gnomAD compares: Admixed American, 0.0017%; no homozygotes.

Submission:

Labcorp Genetics (formerly Invitae), Labcorp
Classification: Uncertain significance. Last evaluated: 2023-03-27. Review status: criteria provided, single submitter. Criteria: Invitae Variant Classification Sherloc (09022015). Collection method: clinical testing. Allele origin: germline.
Comment: This sequence change replaces asparagine, which is neutral and polar, with histidine, which is basic and polar, at codon 640 of the ADGRE2 protein (p.Asn640His). This variant is not present in population databases (gnomAD no frequency). This variant has not been reported in the literature in individuals affected with ADGRE2-related conditions. An algorithm developed to predict the effect of missense changes on protein structure and function (PolyPhen-2) suggests that this variant is likely to be disruptive. In summary, the available evidence is currently insufficient to determine the role of this variant in disease. Therefore, it has been classified as a Variant of Uncertain Significance.

NM_013447.4(ADGRE2):c.1918A>C (p.Asn640His)

Gene: ADGRE2 (adhesion G protein-coupled receptor E2; minus strand). Cytogenetic location: 19p13.12.
Variant type: single nucleotide variant.
Coding change: c.1918A>C on transcript NM_013447.4 (MANE Select); coding-DNA position 1918, A replaced by C.
Protein change: p.Asn640His; replaces asparagine 640 with histidine.
Molecular consequence: missense variant.
Genome position (GRCh38, 1-based): chr19:14,751,542, T>G on the plus strand (A>C on the coding strand, the complement: ADGRE2 is on the minus strand). VCF-style: chr19-14751542-T-G. GRCh37 (hg19) VCF-style: chr19-14862354-T-G.
Other names: c.1744A>C, p.Asn582His (NM_001271052.1); c.1771A>C, p.Asn591His (NM_152916.2); c.1639A>C, p.Asn547His (NM_152917.2); short protein forms N582H, N640H, N547H, N591H.
Identifiers: ClinVar variation 2872057 (VCV002872057.3), dbSNP rs2043283332, ClinGen allele CA404452917.